The following is an entry in ClinVar:

NM_021098.3(CACNA1H):c.4645A>G (p.Met1549Val)

Gene: CACNA1H (calcium voltage-gated channel subunit alpha1 H; plus strand). Cytogenetic location: 16p13.3.
Variant type: single nucleotide variant.
Coding change: c.4645A>G on transcript NM_021098.3 (MANE Select); coding-DNA position 4645, A replaced by G.
Protein change: p.Met1549Val; replaces methionine 1549 with valine.
Molecular consequence: missense variant.
Genome position (GRCh38, 1-based): chr16:1,212,024, A>G. VCF-style: chr16-1212024-A-G. GRCh37 (hg19) VCF-style: chr16-1262024-A-G.
Other names: c.4645A>G (NM_021098.2); c.4645A>G, p.Met1549Val (NM_001005407.2); short protein forms M1549V.
Identifiers: ClinVar variation 189779 (VCV000189779.4), dbSNP rs786205050, ClinGen allele CA199753.

ClinVar aggregate classification (germline): Pathogenic. Review status: criteria provided, single submitter (1 of 4 stars). 3 submissions from 3 submitters: Pathogenic (1). 2 of the submissions do not count toward it. Last evaluated 2023-04-15.

Conditions:
Hyperaldosteronism, familial, type IV (HALD4). Also called: FH IV; ALDOSTERONISM, PRIMARY, AND HYPERTENSION. Identifiers: Orphanet 642671, MedGen C4310756, MONDO:0014875, OMIM 617027.
Primary aldosteronism. Also called: Primary hyperaldosteronism; Conn's syndrome. Identifiers: MedGen C1384514, MONDO:0001422, HP:0011736.

Allele frequency attached by ClinVar (database versions not stated): gnomAD 0.00001.

Submissions (3):

GeneDx
Classification: Pathogenic. Last evaluated: 2023-04-15. Review status: criteria provided, single submitter. Criteria: GeneDx Variant Classification Process June 2021. Collection method: clinical testing. Allele origin: germline. Affected: yes.
Comment: Published functional studies demonstrate a damaging gain of function effect as this variant results in the calcium channels remaining open longer (Scholl et al., 2015; Gurtler et al., 2020); Not observed at significant frequency in large population cohorts (gnomAD); In silico analysis supports that this missense variant has a deleterious effect on protein structure/function; This variant is associated with the following publications: (PMID: 35757409, 27729216, 35813615, 35139664, 32638069, 29229745, 33142317, 29642543, 27242667, 33900205, 33704440, 31217264, 29594118, 30964584, 29735637, 26445452, 27315758, 28974569, 32227660, 27485459, 31983310, 27445978, 28933792, 31695023, 27527004, 27258646, 33879608, 32785697, 25907736)

OMIM
Classification: Pathogenic for HYPERALDOSTERONISM, FAMILIAL, TYPE IV. Last evaluated: 2015-04-24. Review status: no assertion criteria provided. Collection method: literature only. Allele origin: germline. Not counted in ClinVar's aggregate classification.

Richard Lifton Laboratory, Yale University School of Medicine
Classification: Pathogenic for Primary hyperaldosteronism. Last evaluated: 2015-03-20. Review status: no assertion criteria provided. Criteria: research. Collection method: research. Allele origin: paternal, unknown, de novo, maternal. Inheritance: Autosomal dominant inheritance. Affected: yes and no. Observed: 10 heterozygotes. Clinical features observed: Primary hyperaldosteronism, Hypertension, Low renin. Not counted in ClinVar's aggregate classification.

Literature cited by the submitters: PubMed 25907736 (cited by OMIM and Richard Lifton Laboratory, Yale University School of Medicine).